The following is an entry in ClinVar:

ClinVar aggregate classification (germline): Uncertain significance (1 of 4 stars; one submission).

Submission:

Labcorp Genetics (formerly Invitae), Labcorp
Classification: Uncertain significance. Last evaluated: 2023-06-16. Review status: criteria provided, single submitter. Criteria: Invitae Variant Classification Sherloc (09022015). Collection method: clinical testing. Allele origin: germline.
Comment: Advanced modeling of protein sequence and biophysical properties (such as structural, functional, and spatial information, amino acid conservation, physicochemical variation, residue mobility, and thermodynamic stability) has been performed at Invitae for this missense variant, however the output from this modeling did not meet the statistical confidence thresholds required to predict the impact of this variant on ABCB4 protein function. This variant disrupts the p.Asn510 amino acid residue in ABCB4. Other variant(s) that disrupt this residue have been determined to be pathogenic (PMID: 23022423, 23533021, 26324191, 26474921, 28776642, 32581362, 32917322, 34376370). This suggests that this residue is clinically significant, and that variants that disrupt this residue are likely to be disease-causing. In summary, the available evidence is currently insufficient to determine the role of this variant in disease. Therefore, it has been classified as a Variant of Uncertain Significance. This variant has not been reported in the literature in individuals affected with ABCB4-related conditions. This sequence change replaces asparagine, which is neutral and polar, with isoleucine, which is neutral and non-polar, at codon 510 of the ABCB4 protein (p.Asn510Ile). This variant is not present in population databases (gnomAD no frequency).

Literature cited by the submitters: PubMed 23022423; PubMed 23533021; PubMed 26324191; PubMed 26474921; PubMed 28776642; PubMed 32581362; PubMed 32917322; PubMed 34376370.

NM_000443.4(ABCB4):c.1529A>T (p.Asn510Ile)

Gene: ABCB4 (ATP binding cassette subfamily B member 4; minus strand). Cytogenetic location: 7q21.12.
Variant type: single nucleotide variant.
Coding change: c.1529A>T on transcript NM_000443.4 (MANE Select); coding-DNA position 1529, A replaced by T.
Protein change: p.Asn510Ile; replaces asparagine 510 with isoleucine.
Molecular consequence: missense variant.
Genome position (GRCh38, 1-based): chr7:87,440,230, T>A on the plus strand (A>T on the coding strand, the complement: ABCB4 is on the minus strand). VCF-style: chr7-87440230-T-A. GRCh37 (hg19) VCF-style: chr7-87069546-T-A.
Other names: c.1529A>T, p.Asn510Ile (NM_018849.3, NM_018850.3); short protein forms N510I.
Identifiers: ClinVar variation 2877108 (VCV002877108.3), dbSNP rs375315619, ClinGen allele CA368041283.
Genomic context (GRCh38, chr7:87,440,230, plus strand): 5'-AAGGACAACTACTTTATCAGAGGCTTTACCTGTGGTAATTTCATGATAAACTCATAGGCG[T>A]TGGCCTCTTTGACAGCTTTCTTTATCTCATCCATGGTTACATTTCCACGGCCATAACAAA-3'
Protein context (NP_000434.1, residues 500-520): DEIKKAVKEA[Asn510Ile]AYEFIMKLPQ